The following is an entry in ClinVar:

NM_021224.6(ZNF462):c.7121A>C (p.Lys2374Thr)

Genes: ZNF462 (zinc finger protein 462; plus strand), LOC340512 (uncharacterized LOC340512; minus strand). Cytogenetic location: 9q31.2.
Variant type: single nucleotide variant.
Coding change: c.7121A>C on transcript NM_021224.6 (MANE Select); coding-DNA position 7121, A replaced by C.
Protein change: p.Lys2374Thr; replaces lysine 2374 with threonine.
Molecular consequence: missense variant.
Genome position (GRCh38, 1-based): chr9:107,003,358, A>C. VCF-style: chr9-107003358-A-C. GRCh37 (hg19) VCF-style: chr9-109765639-A-C.
Other names: c.4526A>C, p.Lys1509Thr (NM_001347997.2); short protein forms K1509T, K2374T.
Identifiers: ClinVar variation 3354466 (VCV003354466.2).

ClinVar aggregate classification (germline): Uncertain significance (1 of 4 stars; one submission).

Conditions:
ZNF462-related disorder. Also called: ZNF462-related condition; ZNF462 related disease.

Submission:

PreventionGenetics, part of Exact Sciences
Classification: Uncertain significance for ZNF462-related condition. Last evaluated: 2026-07-30. Review status: criteria provided, single submitter. Criteria: ACMG Guidelines, 2015. Collection method: clinical testing. Allele origin: germline.
Comment: The ZNF462 c.7121A>C variant is predicted to result in the amino acid substitution p.Lys2374Thr. To our knowledge, this variant has not been reported in the literature or in a large population database (gnomAD), indicating this variant is rare. At this time, the clinical significance of this variant is uncertain due to the absence of conclusive functional and genetic evidence.